The following is an entry in ClinVar:

NM_012233.3(RAB3GAP1):c.357A>G (p.Val119=)

Gene: RAB3GAP1 (RAB3 GTPase activating protein catalytic subunit 1; plus strand). Cytogenetic location: 2q21.3.
Variant type: single nucleotide variant.
Coding change: c.357A>G on transcript NM_012233.3 (MANE Select); coding-DNA position 357, A replaced by G.
Protein change: p.Val119=; no amino-acid change (valine 119 retained).
Molecular consequence: synonymous variant.
Genome position (GRCh38, 1-based): chr2:135,093,688, A>G. VCF-style: chr2-135093688-A-G. GRCh37 (hg19) VCF-style: chr2-135851258-A-G.
Other names: p.Val119=; c.357A>G, p.Val119= (NM_001172435.2).
Identifiers: ClinVar variation 130070 (VCV000130070.21), dbSNP rs73959261, ClinGen allele CA154848.

ClinVar aggregate classification (germline): Benign. Review status: criteria provided, multiple submitters, no conflicts (2 of 4 stars). 7 submissions from 7 submitters: Benign (6). 1 of the submissions does not count toward it. Last evaluated 2026-01-26.

Conditions:
Warburg micro syndrome 1 (WARBM1). Identifiers: Orphanet 2510, MedGen C1838625, MONDO:0010822, OMIM 600118.

Allele frequency attached by ClinVar (database versions not stated): gnomAD 0.00970 and 0.01043; ESP Exome Variant Server 0.01107; gnomAD exomes 0.00097 and 0.00235; TOPMed 0.01104; ExAC 0.00283; 1000 Genomes Project 0.00799; 1000 Genomes Project 30x 0.00874.
gnomAD v4.1: 2,960 of 1,608,324 alleles (0.18%); highest among the groups gnomAD compares: African/African-American, 3.5%; 54 homozygotes.

Submissions (7):

Labcorp Genetics (formerly Invitae), Labcorp
Classification: Benign. Last evaluated: 2026-01-26. Review status: criteria provided, single submitter. Criteria: Invitae Variant Classification Sherloc (09022015). Collection method: clinical testing. Allele origin: germline.

Mayo Clinic Laboratories, Mayo Clinic
Classification: Benign. Last evaluated: 2024-10-22. Review status: criteria provided, single submitter. Criteria: ACMG Guidelines, 2015. Collection method: clinical testing. Allele origin: germline. Observed: 7 variant alleles.
Comment: BA1, BS2

Athena Diagnostics
Classification: Benign. Last evaluated: 2021-04-23. Review status: criteria provided, single submitter. Criteria: Athena Diagnostics criteria. Collection method: clinical testing. Allele origin: unknown.

Illumina Laboratory Services, Illumina
Classification: Benign for Warburg micro syndrome 1. Last evaluated: 2018-01-13. Review status: criteria provided, single submitter. Criteria: ICSL Variant Classification Criteria 13 December 2019. Collection method: clinical testing. Allele origin: germline.
Comment: This variant was observed in the ICSL laboratory as part of a predisposition screen in an ostensibly healthy population. It had not been previously curated by ICSL or reported in the Human Gene Mutation Database (HGMD: prior to June 1st, 2018), and was therefore a candidate for classification through an automated scoring system. Utilizing variant allele frequency, disease prevalence and penetrance estimates, and inheritance mode, an automated score was calculated to assess if this variant is too frequent to cause the disease. Based on the score and internal cut-off values, a variant classified as benign is not then subjected to further curation. The score for this variant resulted in a classification of benign for this disease.

GeneDx
Classification: Benign. Last evaluated: 2016-05-23. Review status: criteria provided, single submitter. Criteria: GeneDx Variant Classification (06012015). Collection method: clinical testing. Allele origin: germline. Affected: yes.
Comment: This variant is considered likely benign or benign based on one or more of the following criteria: it is a conservative change, it occurs at a poorly conserved position in the protein, it is predicted to be benign by multiple in silico algorithms, and/or has population frequency not consistent with disease.

Breakthrough Genomics
Classification: Benign. Review status: criteria provided, single submitter. Criteria: ACMG Guidelines, 2015. Collection method: not provided. Allele origin: germline. Inheritance: Autosomal recessive inheritance. Affected: yes.

Genetic Services Laboratory, University of Chicago
Classification: Likely benign for AllHighlyPenetrant. Review status: no assertion criteria provided. Collection method: clinical testing. Allele origin: germline. Inheritance: Autosomal recessive inheritance. Not counted in ClinVar's aggregate classification.
Comment: Likely benign based on allele frequency in 1000 Genomes Project or ESP global frequency and its presence in a patient with a rare or unrelated disease phenotype. NOT Sanger confirmed.